The following is an entry in ClinVar:

ClinVar aggregate classification (germline): Likely benign. Review status: criteria provided, multiple submitters, no conflicts (2 of 4 stars). 3 submissions from 3 submitters: Likely benign (3). Last evaluated 2025-03-12.

Conditions:
Inborn genetic diseases. Identifiers: MedGen C0950123, MeSH D030342.

Allele frequency attached by ClinVar (database versions not stated): gnomAD exomes 0.00003; ESP Exome Variant Server 0.00008; gnomAD 0.00004; TOPMed 0.00002; ExAC 0.00003.
gnomAD v4.1: 63 of 1,614,012 alleles (0.0039%); highest among the groups gnomAD compares: Middle Eastern, 0.016%; no homozygotes.

Submissions (3):

Mayo Clinic Laboratories, Mayo Clinic
Classification: Likely benign. Last evaluated: 2025-03-12. Review status: criteria provided, single submitter. Criteria: ACMG Guidelines, 2015. Collection method: clinical testing. Allele origin: germline. Observed: 1 variant allele.
Comment: BP4, BP7

Ambry Genetics
Classification: Likely benign for Inborn genetic diseases. Last evaluated: 2024-12-03. Review status: criteria provided, single submitter. Criteria: Ambry Variant Classification Scheme 2023. Collection method: clinical testing. Allele origin: germline.

Labcorp Genetics (formerly Invitae), Labcorp
Classification: Likely benign. Last evaluated: 2024-10-17. Review status: criteria provided, single submitter. Criteria: Invitae Variant Classification Sherloc (09022015). Collection method: clinical testing. Allele origin: germline.

NM_182476.3(COQ6):c.981G>A (p.Ser327=)

Genes: COQ6 (coenzyme Q6, monooxygenase; plus strand), ENTPD5 (ectonucleoside triphosphate diphosphohydrolase 5; minus strand). Cytogenetic location: 14q24.3.
Variant type: single nucleotide variant.
Coding change: c.981G>A on transcript NM_182476.3 (MANE Select); coding-DNA position 981, G replaced by A.
Protein change: p.Ser327=; no amino-acid change (serine 327 retained).
Molecular consequence: synonymous variant. On other transcripts: 3 prime UTR variant (1), intron variant (5).
Genome position (GRCh38, 1-based): chr14:73,961,262, G>A. VCF-style: chr14-73961262-G-A. GRCh37 (hg19) VCF-style: chr14-74427965-G-A.
Other names: p.Ser327=; c.981G>A, p.Ser327= (NM_001425255.1); c.873G>A, p.Ser291= (NM_001425256.1); c.816G>A, p.Ser272= (NM_001425257.1); c.798G>A, p.Ser266= (NM_001425258.1); c.756G>A, p.Ser252= (NM_001425259.1, NM_001425260.1, NM_001425261.1); c.726G>A, p.Ser242= (NM_001425262.1); c.654G>A, p.Ser218= (NM_001425263.1); and 6 more.
Identifiers: ClinVar variation 1637238 (VCV001637238.9), dbSNP rs372375956, ClinGen allele CA7264406.
Genomic context (GRCh38, chr14:73,961,262, plus strand): 5'-CGACACAGCTGGTGCCATGCTGCAGTATGCTGTCAGCCTTCTGAAGCCCACTAAGGTCTC[G>A]GCTCGCCAGCTGCCCCCAAGCGTAGCCAGGGTGGATGCCAAAAGCCGAGTTCTGTTTCCT-3'
Protein context (NP_872282.1, residues 317-337): AVSLLKPTKV[Ser327=]ARQLPPSVAR